The following is an entry in ClinVar:

NM_144666.3(DNHD1):c.9937G>A (p.Asp3313Asn)

Gene: DNHD1 (dynein heavy chain domain 1; plus strand). Cytogenetic location: 11p15.4.
Variant type: single nucleotide variant.
Coding change: c.9937G>A on transcript NM_144666.3 (MANE Select); coding-DNA position 9937, G replaced by A.
Protein change: p.Asp3313Asn; replaces aspartic acid 3313 with asparagine.
Molecular consequence: missense variant.
Genome position (GRCh38, 1-based): chr11:6,563,777, G>A. VCF-style: chr11-6563777-G-A. GRCh37 (hg19) VCF-style: chr11-6585007-G-A.
Other names: short protein forms D3313N.
Identifiers: ClinVar variation 3060306 (VCV003060306.2), dbSNP rs11040923, ClinGen allele CA5856458.

ClinVar aggregate classification (germline): Benign (0 of 4 stars; one submission).

Conditions:
DNHD1-related disorder. Also called: DNHD1-related condition.

Allele frequency attached by ClinVar (database versions not stated): ESP Exome Variant Server 0.38217; TOPMed 0.38610; gnomAD 0.40212; 1000 Genomes Project 30x 0.42270; 1000 Genomes Project 0.43570; gnomAD exomes 0.49406; ExAC 0.49734.
gnomAD v4.1: 753,187 of 1,551,386 alleles (49%); highest among the groups gnomAD compares: East Asian, 69%; 189,372 homozygotes.

Submission:

PreventionGenetics, part of Exact Sciences
Classification: Benign for DNHD1-related condition. Last evaluated: 2019-10-17. Review status: no assertion criteria provided. Collection method: clinical testing. Allele origin: germline.
Comment: This variant is classified as benign based on ACMG/AMP sequence variant interpretation guidelines (Richards et al. 2015 PMID: 25741868, with internal and published modifications).